The following is an entry in ClinVar:

ClinVar aggregate classification (germline): Uncertain significance. Review status: criteria provided, multiple submitters, no conflicts (2 of 4 stars). 2 submissions from 2 submitters: Uncertain significance (2). Last evaluated 2025-12-24.

Conditions:
Ullrich congenital muscular dystrophy 2 (UCMD2). Identifiers: Orphanet 75840, MedGen C4225314, MONDO:0014654, OMIM 616470.
Bethlem myopathy 2 (BTHLM2). Identifiers: Orphanet 536516, Orphanet 610, MedGen C4225313, MONDO:0034022, OMIM 616471.

Allele frequency attached by ClinVar (database versions not stated): gnomAD 0.00001.
gnomAD v4.1: 4 of 1,612,906 alleles (0.00025%); highest among the groups gnomAD compares: Non-Finnish European, 0.00034%; no homozygotes.

Submissions (2):

Labcorp Genetics (formerly Invitae), Labcorp
Classification: Uncertain significance for Bethlem myopathy 2; Ullrich congenital muscular dystrophy 2. Last evaluated: 2025-12-24. Review status: criteria provided, single submitter. Criteria: Invitae Variant Classification Sherloc (09022015). Collection method: clinical testing. Allele origin: germline.
Comment: This sequence change replaces threonine, which is neutral and polar, with serine, which is neutral and polar, at codon 1488 of the COL12A1 protein (p.Thr1488Ser). This variant is present in population databases (no rsID available, gnomAD 0.002%). This variant has not been reported in the literature in individuals affected with COL12A1-related conditions. ClinVar contains an entry for this variant (Variation ID: 1990445). Invitae Evidence Modeling of protein sequence and biophysical properties (such as structural, functional, and spatial information, amino acid conservation, physicochemical variation, residue mobility, and thermodynamic stability) indicates that this missense variant is not expected to disrupt COL12A1 protein function with a negative predictive value of 80%. Algorithms developed to predict the effect of sequence changes on RNA splicing suggest that this variant may disrupt the consensus splice site. In summary, the available evidence is currently insufficient to determine the role of this variant in disease. Therefore, it has been classified as a Variant of Uncertain Significance.

GeneDx
Classification: Uncertain significance. Last evaluated: 2022-12-02. Review status: criteria provided, single submitter. Criteria: GeneDx Variant Classification Process June 2021. Collection method: clinical testing. Allele origin: germline. Affected: yes.
Comment: Has not been previously published as pathogenic or benign to our knowledge; Not observed at significant frequency in large population cohorts (gnomAD); At the protein level, in silico analysis supports that this missense variant does not alter protein structure/function; At the mRNA level, in silico analysis is inconclusive as to whether the variant alters gene splicing. In the absence of RNA/functional studies, the actual effect of this sequence change is unknown.

NM_004370.6(COL12A1):c.4463C>G (p.Thr1488Ser)

Gene: COL12A1 (collagen type XII alpha 1 chain; minus strand). Cytogenetic location: 6q13.
Variant type: single nucleotide variant.
Coding change: c.4463C>G on transcript NM_004370.6 (MANE Select); coding-DNA position 4463, C replaced by G.
Protein change: p.Thr1488Ser; replaces threonine 1488 with serine.
Molecular consequence: missense variant.
Genome position (GRCh38, 1-based): chr6:75,146,199, G>C on the plus strand (C>G on the coding strand, the complement: COL12A1 is on the minus strand). VCF-style: chr6-75146199-G-C. GRCh37 (hg19) VCF-style: chr6-75855915-G-C.
Other names: c.4463C>G (NM_004370.5); c.971C>G, p.Thr324Ser (NM_080645.3); short protein forms T1488S, T324S.
Identifiers: ClinVar variation 1990445 (VCV001990445.5), dbSNP rs771864984, ClinGen allele CA364743915.